The following is an entry in ClinVar:

ClinVar aggregate classification (germline): Likely benign (1 of 4 stars; one submission).

Allele frequency attached by ClinVar (database versions not stated): TOPMed below 0.00001; gnomAD 0.00001.

Submission:

CeGaT Center for Human Genetics Tuebingen
Classification: Likely benign. Last evaluated: 2023-06-01. Review status: criteria provided, single submitter. Criteria: CeGaT Center For Human Genetics Tuebingen Variant Classification Criteria Version 2. Collection method: clinical testing. Allele origin: germline. Affected: yes. Observed: 1 variant allele.
Comment: KMT2D: BP4, BP7

NM_003482.4(KMT2D):c.12708A>G (p.Ala4236=)

Gene: KMT2D (lysine methyltransferase 2D; minus strand). Cytogenetic location: 12q13.12.
Variant type: single nucleotide variant.
Coding change: c.12708A>G on transcript NM_003482.4 (MANE Select); coding-DNA position 12708, A replaced by G.
Protein change: p.Ala4236=; no amino-acid change (alanine 4236 retained).
Molecular consequence: synonymous variant.
Genome position (GRCh38, 1-based): chr12:49,031,997, T>C on the plus strand (A>G on the coding strand, the complement: KMT2D is on the minus strand). VCF-style: chr12-49031997-T-C. GRCh37 (hg19) VCF-style: chr12-49425780-T-C.
Identifiers: ClinVar variation 2642937 (VCV002642937.24), dbSNP rs1942941330, ClinGen allele CA479708175.
Genomic context (GRCh38, chr12:49,031,997, plus strand): 5'-GAGGCCCTGGAGGGGAGAGGTCTGGGTCCCAGGCTCCTGGTAGGGTGGGGTCTGGCGTAC[T>C]GCCTGACTCTGCTGCAGCTGCCGCTGCATGAGGAGTGCCTGTAGCTGCTGCTGCTGCTGA-3'
Protein context (NP_003473.3, residues 4226-4246): LMQRQLQQSQ[Ala4236=]VRQTPPYQEP